The following is an entry in ClinVar:

ClinVar aggregate classification (germline): Uncertain significance (1 of 4 stars; one submission).

Conditions:
Maple syrup urine disease (MSUD). Identifiers: Orphanet 511, MedGen C0024776, MeSH D008375, MONDO:0009563. Disease mechanism: loss of function.

Submission:

Labcorp Genetics (formerly Invitae), Labcorp
Classification: Uncertain significance for Maple syrup urine disease. Last evaluated: 2023-04-18. Review status: criteria provided, single submitter. Criteria: Invitae Variant Classification Sherloc (09022015). Collection method: clinical testing. Allele origin: germline.
Comment: This sequence change replaces methionine, which is neutral and non-polar, with valine, which is neutral and non-polar, at codon 226 of the DBT protein (p.Met226Val). This variant is not present in population databases (gnomAD no frequency). This variant has not been reported in the literature in individuals affected with DBT-related conditions. Advanced modeling of protein sequence and biophysical properties (such as structural, functional, and spatial information, amino acid conservation, physicochemical variation, residue mobility, and thermodynamic stability) performed at Invitae indicates that this missense variant is not expected to disrupt DBT protein function. In summary, the available evidence is currently insufficient to determine the role of this variant in disease. Therefore, it has been classified as a Variant of Uncertain Significance.

NM_001918.5(DBT):c.676A>G (p.Met226Val)

Gene: DBT (dihydrolipoamide branched chain transacylase E2; minus strand). Cytogenetic location: 1p21.2.
Variant type: single nucleotide variant.
Coding change: c.676A>G on transcript NM_001918.5 (MANE Select); coding-DNA position 676, A replaced by G.
Protein change: p.Met226Val; replaces methionine 226 with valine.
Molecular consequence: missense variant. On other transcripts: non-coding transcript variant (3).
Genome position (GRCh38, 1-based): chr1:100,216,079, T>C on the plus strand (A>G on the coding strand, the complement: DBT is on the minus strand). VCF-style: chr1-100216079-T-C. GRCh37 (hg19) VCF-style: chr1-100681635-T-C.
Other names: c.133A>G, p.Met45Val (NM_001399969.1, NM_001399972.1); short protein forms M226V, M45V.
Identifiers: ClinVar variation 2874256 (VCV002874256.3), dbSNP rs2524154133, ClinGen allele CA341338434.